The following is an entry in ClinVar:

NM_001430.5(EPAS1):c.260T>G (p.Met87Arg)

Gene: EPAS1 (endothelial PAS domain protein 1; plus strand). Cytogenetic location: 2p21.
Variant type: single nucleotide variant.
Coding change: c.260T>G on transcript NM_001430.5 (MANE Select); coding-DNA position 260, T replaced by G.
Protein change: p.Met87Arg; replaces methionine 87 with arginine.
Molecular consequence: missense variant.
Genome position (GRCh38, 1-based): chr2:46,356,193, T>G. VCF-style: chr2-46356193-T-G. GRCh37 (hg19) VCF-style: chr2-46583332-T-G.
Other names: short protein forms M87R.
Identifiers: ClinVar variation 1793788 (VCV001793788.2), dbSNP rs2546450378, ClinGen allele CA346697749.

ClinVar aggregate classification (germline): Uncertain significance (1 of 4 stars; one submission).

Conditions:
Inborn genetic diseases. Identifiers: MedGen C0950123, MeSH D030342.

gnomAD v4.1: 1 of 1,558,900 alleles (0.000064%); no homozygotes.

Submission:

Ambry Genetics
Classification: Uncertain significance for Inborn genetic diseases. Last evaluated: 2022-01-05. Review status: criteria provided, single submitter. Criteria: Ambry Variant Classification Scheme 2023. Collection method: clinical testing. Allele origin: germline.
Comment: The p.M87R variant (also known as c.260T>G), located in coding exon 3 of the EPAS1 gene, results from a T to G substitution at nucleotide position 260. The methionine at codon 87 is replaced by arginine, an amino acid with similar properties. This amino acid position is conserved. In addition, the in silico prediction for this alteration is inconclusive. Since supporting evidence is limited at this time, the clinical significance of this alteration remains unclear.